The following is an entry in ClinVar:

NM_001278116.2(L1CAM):c.1123+3G>A

Gene: L1CAM (L1 cell adhesion molecule; minus strand). Cytogenetic location: Xq28.
Variant type: single nucleotide variant.
Coding change: c.1123+3G>A on transcript NM_001278116.2 (MANE Select); 3 bases into the intron after coding-DNA position 1123, G replaced by A.
Molecular consequence: intron variant.
Genome position (GRCh38, 1-based): chrX:153,869,800, C>T on the plus strand (G>A on the coding strand, the complement: L1CAM is on the minus strand). VCF-style: chrX-153869800-C-T. GRCh37 (hg19) VCF-style: chrX-153135255-C-T.
Other names: c.1108+3G>A (NM_001143963.2); c.1123+3G>A (NM_024003.3, NM_000425.5).
Identifiers: ClinVar variation 2027419 (VCV002027419.3), dbSNP rs2521013860, ClinGen allele CA2580101877.

ClinVar aggregate classification (germline): Uncertain significance (1 of 4 stars; one submission).

Conditions:
Spastic paraplegia. Identifiers: MedGen C0037772, HP:0001258.

Allele frequency attached by ClinVar (database versions not stated): gnomAD exomes below 0.00001.

Submission:

Labcorp Genetics (formerly Invitae), Labcorp
Classification: Uncertain significance for Spastic paraplegia. Last evaluated: 2024-05-06. Review status: criteria provided, single submitter. Criteria: Invitae Variant Classification Sherloc (09022015). Collection method: clinical testing. Allele origin: germline.
Comment: This sequence change falls in intron 9 of the L1CAM gene. It does not directly change the encoded amino acid sequence of the L1CAM protein. It affects a nucleotide within the consensus splice site. This variant is not present in population databases (gnomAD no frequency). This variant has not been reported in the literature in individuals affected with L1CAM-related conditions. ClinVar contains an entry for this variant (Variation ID: 2027419). Variants that disrupt the consensus splice site are a relatively common cause of aberrant splicing (PMID: 17576681, 9536098). Algorithms developed to predict the effect of sequence changes on RNA splicing suggest that this variant is not likely to affect RNA splicing. In summary, the available evidence is currently insufficient to determine the role of this variant in disease. Therefore, it has been classified as a Variant of Uncertain Significance.

Literature cited by the submitters: PubMed 17576681; PubMed 9536098.